The following is an entry in ClinVar:

NM_032444.4(SLX4):c.1736T>C (p.Leu579Pro)

Gene: SLX4 (SLX4 structure-specific endonuclease subunit; minus strand). Cytogenetic location: 16p13.3.
Variant type: single nucleotide variant.
Coding change: c.1736T>C on transcript NM_032444.4 (MANE Select); coding-DNA position 1736, T replaced by C.
Protein change: p.Leu579Pro; replaces leucine 579 with proline.
Molecular consequence: missense variant.
Genome position (GRCh38, 1-based): chr16:3,596,341, A>G on the plus strand (T>C on the coding strand, the complement: SLX4 is on the minus strand). VCF-style: chr16-3596341-A-G. GRCh37 (hg19) VCF-style: chr16-3646342-A-G.
Other names: short protein forms L579P.
Identifiers: ClinVar variation 929621 (VCV000929621.1), dbSNP rs772504776, ClinGen allele CA276962406.

ClinVar aggregate classification (germline): Likely benign (0 of 4 stars; one submission).

Allele frequency attached by ClinVar (database versions not stated): gnomAD 0.00001; gnomAD exomes 0.00001.
gnomAD v4.1: 11 of 1,595,382 alleles (0.00069%); highest among the groups gnomAD compares: Non-Finnish European, 0.00094%; no homozygotes.

Submission:

Leiden Open Variation Database
Classification: Likely benign. Last evaluated: 2012-08-31. Review status: no assertion criteria provided. Collection method: curation. Allele origin: germline. Affected: yes.
Comment: Curator: Arleen D. Auerbach. Submitter to LOVD: Janine Bakker.

Literature cited by the submitters: PubMed 22911665.